The following is an entry in ClinVar:

NM_020365.5(EIF2B3):c.*401T>C

Gene: EIF2B3 (eukaryotic translation initiation factor 2B subunit gamma; minus strand). Cytogenetic location: 1p34.1.
Variant type: single nucleotide variant.
Coding change: c.*401T>C on transcript NM_020365.5 (MANE Select); 401 bases downstream of the stop codon, T replaced by C.
Molecular consequence: 3 prime UTR variant.
Genome position (GRCh38, 1-based): chr1:44,850,550, A>G on the plus strand (T>C on the coding strand, the complement: EIF2B3 is on the minus strand). VCF-style: chr1-44850550-A-G. GRCh37 (hg19) VCF-style: chr1-45316222-A-G.
Other names: c.*450T>C (NM_001261418.2).
Identifiers: ClinVar variation 875157 (VCV000875157.4), dbSNP rs116672991, ClinGen allele CA21767092.

ClinVar aggregate classification (germline): Likely benign (1 of 4 stars; one submission).

Conditions:
Vanishing white matter disease. Also called: CACH syndrome; Childhood ataxia with diffuse central nervous system hypomyelination; Leukoencephalopathy with vanishing white matter; CACH/VWM syndrome; Cree leukoencehalopathy. Identifiers: Orphanet 135, Orphanet 99853, MedGen C1858991, MONDO:0800448.

Allele frequency attached by ClinVar (database versions not stated): gnomAD exomes 0.00032; gnomAD 0.00304 and 0.00328; TOPMed 0.00319; 1000 Genomes Project 30x 0.00328; 1000 Genomes Project 0.00339.
gnomAD v4.1: 486 of 238,254 alleles (0.2%); highest among the groups gnomAD compares: African/African-American, 1.1%; 2 homozygotes.

Submission:

Illumina Laboratory Services, Illumina
Classification: Likely benign for Leukoencephalopathy with vanishing white matter 1. Last evaluated: 2018-01-13. Review status: criteria provided, single submitter. Criteria: ICSL Variant Classification Criteria 13 December 2019. Collection method: clinical testing. Allele origin: germline.
Comment: This variant was observed in the ICSL laboratory as part of a predisposition screen in an ostensibly healthy population. It had not been previously curated by ICSL or reported in the Human Gene Mutation Database (HGMD: prior to June 1st, 2018), and was therefore a candidate for classification through an automated scoring system. Utilizing variant allele frequency, disease prevalence and penetrance estimates, and inheritance mode, an automated score was calculated to assess if this variant is too frequent to cause the disease. Based on the score and internal cut-off values, a variant classified as likely benign is not then subjected to further curation. The score for this variant resulted in a classification of likely benign for this disease.